The following is an entry in ClinVar:

ClinVar aggregate classification (germline): Uncertain significance (1 of 4 stars; one submission).

Conditions:
Inborn genetic diseases. Identifiers: MedGen C0950123, MeSH D030342.

gnomAD v4.1: 2 of 1,613,910 alleles (0.00012%); highest among the groups gnomAD compares: East Asian, 0.0022%; no homozygotes.

Submission:

Ambry Genetics
Classification: Uncertain significance for Inborn genetic diseases. Last evaluated: 2025-01-30. Review status: criteria provided, single submitter. Criteria: Ambry Variant Classification Scheme 2023. Collection method: clinical testing. Allele origin: germline.
Comment: The p.H1040Y variant (also known as c.3118C>T), located in coding exon 14 of the FANCM gene, results from a C to T substitution at nucleotide position 3118. The histidine at codon 1040 is replaced by tyrosine, an amino acid with similar properties. This amino acid position is conserved. In addition, this alteration is predicted to be tolerated by in silico analysis. Based on the available evidence, the clinical significance of this variant remains unclear.

NM_020937.4(FANCM):c.3118C>T (p.His1040Tyr)

Gene: FANCM (FA complementation group M; plus strand). Cytogenetic location: 14q21.2.
Variant type: single nucleotide variant.
Coding change: c.3118C>T on transcript NM_020937.4 (MANE Select); coding-DNA position 3118, C replaced by T.
Protein change: p.His1040Tyr; replaces histidine 1040 with tyrosine.
Molecular consequence: missense variant.
Genome position (GRCh38, 1-based): chr14:45,175,872, C>T. VCF-style: chr14-45175872-C-T. GRCh37 (hg19) VCF-style: chr14-45645075-C-T.
Other names: c.3040C>T, p.His1014Tyr (NM_001308133.2); short protein forms H1014Y, H1040Y.
Identifiers: ClinVar variation 3848670 (VCV003848670.1).
Genomic context (GRCh38, chr14:45,175,872, plus strand): 5'-TTGCTTTTCTTACCCTGTGCAGAGCATTTACGAAGTGATAAATGCACCTGTTTGCTGTCA[C>T]ATTCAGCTGTGAATTCTCAACAGAATTTAGAATTGAATTCACTTAAATGTATAAATTATC-3'
Protein context (NP_065988.1, residues 1030-1050): RSDKCTCLLS[His1040Tyr]SAVNSQQNLE